The following is an entry in ClinVar:

ClinVar aggregate classification (germline): Uncertain significance. Review status: criteria provided, multiple submitters, no conflicts (2 of 4 stars). 3 submissions from 3 submitters: Uncertain significance (3). Last evaluated 2025-03-12.

Conditions:
Long QT syndrome (LQTS). Identifiers: MedGen C0023976, MeSH D008133, MONDO:0002442. Disease mechanism: loss of function. Inheritance: Various modes of inheritance.
Long QT syndrome 11 (LQT11). Identifiers: Orphanet 101016, Orphanet 768, MedGen C2678483, MONDO:0012738, OMIM 611820.
Cardiovascular phenotype. Identifiers: MedGen CN230736.

Allele frequency attached by ClinVar (database versions not stated): ExAC 0.00001; TOPMed 0.00001; gnomAD 0.00002; gnomAD exomes 0.00002; ESP Exome Variant Server 0.00008.
gnomAD v4.1: 32 of 1,613,288 alleles (0.002%); highest among the groups gnomAD compares: Non-Finnish European, 0.0026%; no homozygotes.

Submissions (3):

Ambry Genetics
Classification: Uncertain significance for Cardiovascular phenotype. Last evaluated: 2025-03-12. Review status: criteria provided, single submitter. Criteria: Ambry Variant Classification Scheme 2023. Collection method: clinical testing. Allele origin: germline.

Labcorp Genetics (formerly Invitae), Labcorp
Classification: Uncertain significance for Long QT syndrome. Last evaluated: 2024-02-13. Review status: criteria provided, single submitter. Criteria: Invitae Variant Classification Sherloc (09022015). Collection method: clinical testing. Allele origin: germline.
Comment: This sequence change replaces serine, which is neutral and polar, with threonine, which is neutral and polar, at codon 915 of the AKAP9 protein (p.Ser915Thr). The frequency data for this variant in the population databases is considered unreliable, as metrics indicate poor data quality at this position in the gnomAD database. This variant has not been reported in the literature in individuals affected with AKAP9-related conditions. ClinVar contains an entry for this variant (Variation ID: 940279). An algorithm developed to predict the effect of missense changes on protein structure and function (PolyPhen-2) suggests that this variant is likely to be tolerated. In summary, the available evidence is currently insufficient to determine the role of this variant in disease. Therefore, it has been classified as a Variant of Uncertain Significance.

Fulgent Genetics
Classification: Uncertain significance for Long QT syndrome 11. Last evaluated: 2021-09-10. Review status: criteria provided, single submitter. Criteria: ACMG Guidelines, 2015. Collection method: clinical testing. Allele origin: unknown.

NM_005751.5(AKAP9):c.2743T>A (p.Ser915Thr)

Gene: AKAP9 (A-kinase anchoring protein 9; plus strand). Cytogenetic location: 7q21.2.
Variant type: single nucleotide variant.
Coding change: c.2743T>A on transcript NM_005751.5 (MANE Select); coding-DNA position 2743, T replaced by A.
Protein change: p.Ser915Thr; replaces serine 915 with threonine.
Molecular consequence: missense variant.
Genome position (GRCh38, 1-based): chr7:92,002,660, T>A. VCF-style: chr7-92002660-T-A. GRCh37 (hg19) VCF-style: chr7-91631974-T-A.
Other names: c.2743T>A, p.Ser915Thr (NM_147185.3); short protein forms S915T.
Identifiers: ClinVar variation 940279 (VCV000940279.13), dbSNP rs371599265, ClinGen allele CA4336186.